The following is an entry in ClinVar:

ClinVar aggregate classification (germline): Uncertain significance (1 of 4 stars; one submission).

Submission:

GeneDx
Classification: Uncertain significance. Last evaluated: 2022-05-15. Review status: criteria provided, single submitter. Criteria: GeneDx Variant Classification Process June 2021. Collection method: clinical testing. Allele origin: germline. Affected: yes.
Comment: Not observed at significant frequency in large population cohorts (gnomAD); In silico analysis supports that this missense variant has a deleterious effect on protein structure/function; Has not been previously published as pathogenic or benign to our knowledge

NM_004172.5(SLC1A3):c.251C>T (p.Pro84Leu)

Gene: SLC1A3 (solute carrier family 1 member 3; plus strand). Cytogenetic location: 5p13.2.
Variant type: single nucleotide variant.
Coding change: c.251C>T on transcript NM_004172.5 (MANE Select); coding-DNA position 251, C replaced by T.
Protein change: p.Pro84Leu; replaces proline 84 with leucine.
Molecular consequence: missense variant. On other transcripts: intron variant (1).
Genome position (GRCh38, 1-based): chr5:36,629,519, C>T. VCF-style: chr5-36629519-C-T. GRCh37 (hg19) VCF-style: chr5-36629621-C-T.
Other names: c.251C>T, p.Pro84Leu (NM_001166695.3, NM_001289940.2); c.181+20915C>T (NM_001289939.2); short protein forms P84L.
Identifiers: ClinVar variation 1800700 (VCV001800700.1), dbSNP rs2477947993, ClinGen allele CA359473067.